The following is an entry in ClinVar:

NM_005120.3(MED12):c.1926T>A (p.Asp642Glu)

Gene: MED12 (mediator complex subunit 12; plus strand). Cytogenetic location: Xq13.1.
Variant type: single nucleotide variant.
Coding change: c.1926T>A on transcript NM_005120.3 (MANE Select); coding-DNA position 1926, T replaced by A.
Protein change: p.Asp642Glu; replaces aspartic acid 642 with glutamic acid.
Molecular consequence: missense variant.
Genome position (GRCh38, 1-based): chrX:71,124,340, T>A. VCF-style: chrX-71124340-T-A. GRCh37 (hg19) VCF-style: chrX-70344190-T-A.
Other names: short protein forms D642E.
Identifiers: ClinVar variation 2660842 (VCV002660842.24), dbSNP rs778656381, ClinGen allele CA413509929.

ClinVar aggregate classification (germline): Uncertain significance (1 of 4 stars; one submission).

Submission:

CeGaT Center for Human Genetics Tuebingen
Classification: Uncertain significance. Last evaluated: 2026-08-01. Review status: criteria provided, single submitter. Criteria: CeGaT Center For Human Genetics Tuebingen Variant Classification Criteria Version 2. Collection method: clinical testing. Allele origin: germline. Affected: yes. Observed: 2 variant alleles.
Comment: MED12: PM2